The following is an entry in ClinVar:

NM_000458.4(HNF1B):c.135G>A (p.Thr45=)

Gene: HNF1B (HNF1 homeobox B; minus strand). Cytogenetic location: 17q12.
Variant type: single nucleotide variant.
Coding change: c.135G>A on transcript NM_000458.4 (MANE Select); coding-DNA position 135, G replaced by A.
Protein change: p.Thr45=; no amino-acid change (threonine 45 retained).
Molecular consequence: synonymous variant.
Genome position (GRCh38, 1-based): chr17:37,744,750, C>T on the plus strand (G>A on the coding strand, the complement: HNF1B is on the minus strand). VCF-style: chr17-37744750-C-T. GRCh37 (hg19) VCF-style: chr17-36104741-C-T.
Other names: c.135G>A, p.Thr45= (NM_001165923.4, NM_001304286.2).
Identifiers: ClinVar variation 994818 (VCV000994818.2), dbSNP rs2034121058, ClinGen allele CA499880056.

ClinVar aggregate classification (germline): Conflicting classifications of pathogenicity. Review status: criteria provided, conflicting classifications (1 of 4 stars). 2 submissions from 2 submitters: Uncertain significance (1); Benign (1). Last evaluated 2019-12-16.

Conditions:
Maturity-onset diabetes of the young (MODY). Also called: Maturity onset diabetes mellitus in young. Identifiers: Orphanet 552, MedGen C0342276, MONDO:0018911, HP:0004904.

Submissions (2):

Athena Diagnostics
Classification: Uncertain significance. Last evaluated: 2019-12-16. Review status: criteria provided, single submitter. Criteria: Athena Diagnostics Criteria. Collection method: clinical testing. Allele origin: unknown.

Clinical Genomics, Uppaluri K&H Personalized Medicine Clinic
Classification: Benign for Maturity-onset diabetes of the young. Review status: criteria provided, single submitter. Criteria: K & H Uppaluri Personalized Medicine Clinic Variant Classification & Assertion Criteria_Updated V.1. Collection method: research. Allele origin: unknown. Inheritance: Autosomal dominant inheritance.
Comment: HNF1B gene mutations are associated with early onset diabetes and pancreatic atrophy. It is also associated with multiple renal manifestations including renal cysts, Tubulointerstitial disease, glomerulocystic disease, renal hypoplasia, hypomagnesemia. However no sufficient evidence is found to ascertain the role of this particular variant rs2034121058, yet.

Literature cited by the submitters: PubMed 24897035 (cited by Clinical Genomics, Uppaluri K&H Personalized Medicine Clinic); PubMed 25536396 (cited by Clinical Genomics, Uppaluri K&H Personalized Medicine Clinic); PubMed 27615128 (cited by Clinical Genomics, Uppaluri K&H Personalized Medicine Clinic); PubMed 28215227 (cited by Clinical Genomics, Uppaluri K&H Personalized Medicine Clinic); PubMed 33434175 (cited by Clinical Genomics, Uppaluri K&H Personalized Medicine Clinic); PubMed 25741167 (cited by Clinical Genomics, Uppaluri K&H Personalized Medicine Clinic); PubMed 26340261 (cited by Clinical Genomics, Uppaluri K&H Personalized Medicine Clinic); PubMed 19639018 (cited by Clinical Genomics, Uppaluri K&H Personalized Medicine Clinic).